The following is an entry in ClinVar:

NM_001379286.1(ZNF423):c.1459G>A (p.Ala487Thr)

Gene: ZNF423 (zinc finger protein 423; minus strand). Cytogenetic location: 16q12.1.
Variant type: single nucleotide variant.
Coding change: c.1459G>A on transcript NM_001379286.1 (MANE Select); coding-DNA position 1459, G replaced by A.
Protein change: p.Ala487Thr; replaces alanine 487 with threonine.
Molecular consequence: missense variant.
Genome position (GRCh38, 1-based): chr16:49,637,717, C>T on the plus strand (G>A on the coding strand, the complement: ZNF423 is on the minus strand). VCF-style: chr16-49637717-C-T. GRCh37 (hg19) VCF-style: chr16-49671628-C-T.
Other names: c.1255G>A, p.Ala419Thr (NM_001271620.2); c.1084G>A, p.Ala362Thr (NM_001330533.2); c.1435G>A, p.Ala479Thr (NM_015069.5); short protein forms A362T, A419T, A479T, A487T.
Identifiers: ClinVar variation 1007655 (VCV001007655.5), dbSNP rs763675078, ClinGen allele CA8046677.

ClinVar aggregate classification (germline): Uncertain significance. Review status: criteria provided, multiple submitters, no conflicts (2 of 4 stars). 2 submissions from 2 submitters: Uncertain significance (2). Last evaluated 2022-07-19.

Conditions:
Ciliopathy. Also called: Ciliopathies. Identifiers: Orphanet 363250, MedGen C4277690, MONDO:0005308, MeSH D000072661.
Nephronophthisis 14 (NPHP14). Identifiers: Orphanet 2318, MedGen C3539071, MONDO:0013916, OMIM 614844.

Allele frequency attached by ClinVar (database versions not stated): TOPMed 0.00003; gnomAD 0.00001; gnomAD exomes 0.00006; ExAC 0.00007.
gnomAD v4.1: 94 of 1,614,036 alleles (0.0058%); highest among the groups gnomAD compares: Non-Finnish European, 0.0075%; no homozygotes.

Submissions (2):

Labcorp Genetics (formerly Invitae), Labcorp
Classification: Uncertain significance for Nephronophthisis 14. Last evaluated: 2022-07-19. Review status: criteria provided, single submitter. Criteria: Invitae Variant Classification Sherloc (09022015). Collection method: clinical testing. Allele origin: germline.
Comment: This sequence change replaces alanine, which is neutral and non-polar, with threonine, which is neutral and polar, at codon 479 of the ZNF423 protein (p.Ala479Thr). This variant is present in population databases (rs763675078, gnomAD 0.01%). This variant has not been reported in the literature in individuals affected with ZNF423-related conditions. ClinVar contains an entry for this variant (Variation ID: 1007655). Algorithms developed to predict the effect of missense changes on protein structure and function output the following: SIFT: "Tolerated"; PolyPhen-2: "Benign"; Align-GVGD: "Class C0". The threonine amino acid residue is found in multiple mammalian species, which suggests that this missense change does not adversely affect protein function. In summary, the available evidence is currently insufficient to determine the role of this variant in disease. Therefore, it has been classified as a Variant of Uncertain Significance.

Department of Pathology and Laboratory Medicine, Sinai Health System
Classification: Uncertain significance for ciliopathy. Last evaluated: 2021-04-01. Review status: criteria provided, single submitter. Criteria: ACMG Guidelines, 2015. Collection method: research. Allele origin: germline.